The following is an entry in ClinVar:

ClinVar aggregate classification (germline): Likely pathogenic (1 of 4 stars; one submission).

Conditions:
Cardiac-urogenital syndrome (CUGS). Also called: MYRF-Related Cardiac Urogenital Syndrome. Identifiers: Orphanet 647811, MedGen C4748946, MONDO:0032653, OMIM 618280.

Submission:

3billion
Classification: Likely pathogenic for Cardiac-urogenital syndrome. Last evaluated: 2024-10-10. Review status: criteria provided, single submitter. Criteria: ACMG Guidelines, 2015. Collection method: clinical testing. Allele origin: germline. Affected: yes.
Comment: The variant is not observed in the gnomAD v4.1.0 dataset. Predicted Consequence/Location: Frameshift: predicted to result in a loss or disruption of normal protein function through nonsense-mediated decay (NMD) or protein truncation. Multiple pathogenic variants are reported downstream of the variant. Therefore, this variant is classified as Likely pathogenic according to the recommendation of ACMG/AMP guideline.

NM_001127392.3(MYRF):c.2512_2519dup (p.Gln841fs)

Gene: MYRF (myelin regulatory factor; plus strand). Cytogenetic location: 11q12.2.
Variant type: Duplication.
Coding change: c.2512_2519dup on transcript NM_001127392.3 (MANE Select); coding-DNA positions 2512 to 2519, 8 bases duplicated (CAGCTCCG; older notation c.2512_2519dupCAGCTCCG).
Protein change: p.Gln841fs; shifts the reading frame from glutamine 841.
Molecular consequence: frameshift variant.
Genome position (GRCh38, 1-based): chr11:61,780,985-61,780,992, CAGCTCCG duplicated; duplicating any 8 consecutive bases within chr11:61,780,983-61,780,992 gives the same sequence; the c. name uses the placement nearest the transcript's 3' end. VCF-style (leftmost placement, unchanged base first): chr11-61780982-A-ACGCAGCTC. GRCh37 (hg19) VCF-style: chr11-61548454-A-ACGCAGCTC.
Other names: c.2407_2414dup, p.Gln806fs (NM_013279.4); short protein forms Q806fs, Q841fs.
Identifiers: ClinVar variation 4292768 (VCV004292768.1).